The following is an entry in ClinVar:

NM_015030.2(FRYL):c.889dup (p.Tyr297fs)

Gene: FRYL (FRY like transcription coactivator; minus strand). Cytogenetic location: 4p11.
Variant type: Duplication.
Coding change: c.889dup on transcript NM_015030.2 (MANE Select); coding-DNA position 889, one base duplicated (T; older notation c.889dupT).
Protein change: p.Tyr297fs; shifts the reading frame from tyrosine 297.
Molecular consequence: frameshift variant.
Genome position (GRCh38, 1-based): chr4:48,603,334, A duplicated on the plus strand (T on the coding strand, the reverse complement: FRYL is on the minus strand); the first of 3 consecutive A bases (chr4:48,603,334-48,603,336); duplicating any one gives the same sequence. VCF-style (leftmost placement, unchanged base first): chr4-48603333-T-TA. GRCh37 (hg19) VCF-style: chr4-48605350-T-TA.
Other names: short protein forms Y297fs.
Identifiers: ClinVar variation 4279791 (VCV004279791.1).

ClinVar aggregate classification (germline): Likely pathogenic (1 of 4 stars; one submission).

Conditions:
Pan-Chung-Bellen syndrome. Identifiers: MedGen C5975547, MONDO:0975953, OMIM 621049.

Submission:

Clinical Genomics Laboratory, Washington University in St. Louis
Classification: Likely pathogenic for Pan-Chung-Bellen syndrome. Last evaluated: 2025-05-25. Review status: criteria provided, single submitter. Criteria: ACMG Guidelines, 2015. Collection method: clinical testing. Allele origin: germline. Affected: yes.
Comment: The FRYL c.889dup (p.Tyr297Leufs*6) variant, to our knowledge, has not been reported in the medical literature and is absent from the general population (gnomAD v.2.1.1), indicating it is not a common variant. This variant causes a frameshift by duplicating a single nucleotide, leading to a premature termination codon, which is predicted to lead to nonsense mediated decay. Additionally, other frameshift variants in this region have been described in affected individuals and are considered pathogenic (Pan X et al., PMID: 38479391). Based on available information and the ACMG/AMP guidelines for variant interpretation (Richards S et al., PMID: 25741868), this variant is classified as likely pathogenic.